The following is an entry in ClinVar:

NM_001164508.2(NEB):c.20441G>A (p.Arg6814His)

Gene: NEB (nebulin; minus strand). Cytogenetic location: 2q23.3.
Variant type: single nucleotide variant.
Coding change: c.20441G>A on transcript NM_001164508.2 (MANE Select); coding-DNA position 20441, G replaced by A.
Protein change: p.Arg6814His; replaces arginine 6814 with histidine.
Molecular consequence: missense variant.
Genome position (GRCh38, 1-based): chr2:151,546,370, C>T on the plus strand (G>A on the coding strand, the complement: NEB is on the minus strand). VCF-style: chr2-151546370-C-T. GRCh37 (hg19) VCF-style: chr2-152402884-C-T.
Other names: p.Arg5113His; c.15338G>A (NM_004543.4); c.20441G>A, p.Arg6814His (NM_001164507.2, NM_001271208.2); c.15338G>A, p.Arg5113His (NM_004543.5); short protein forms R6814H, R5113H.
Identifiers: ClinVar variation 465535 (VCV000465535.18), dbSNP rs773584363, ClinGen allele CA1907305.

ClinVar aggregate classification (germline): Conflicting classifications of pathogenicity. Review status: criteria provided, conflicting classifications (1 of 4 stars). 5 submissions from 5 submitters: Uncertain significance (3); Likely benign (1). 1 of the submissions does not count toward it. Last evaluated 2026-01-05.

Conditions:
Inborn genetic diseases. Identifiers: MedGen C0950123, MeSH D030342.
Nemaline myopathy 2 (NEM2). Also called: Nemaline myopathy 2, autosomal recessive. Identifiers: MedGen C1850569, MONDO:0009725, OMIM 256030.

Allele frequency attached by ClinVar (database versions not stated): gnomAD exomes below 0.00001 and 0.00003; ExAC 0.00001; gnomAD 0.00005 and 0.00006; TOPMed 0.00006.
gnomAD v4.1: 56 of 1,612,648 alleles (0.0035%); highest among the groups gnomAD compares: African/African-American, 0.0094%; no homozygotes.

Submissions (5):

Labcorp Genetics (formerly Invitae), Labcorp
Classification: Likely benign for Nemaline myopathy 2. Last evaluated: 2026-01-05. Review status: criteria provided, single submitter. Criteria: Invitae Variant Classification Sherloc (09022015). Collection method: clinical testing. Allele origin: germline.

Ambry Genetics
Classification: Uncertain significance for Inborn genetic diseases. Last evaluated: 2025-10-15. Review status: criteria provided, single submitter. Criteria: Ambry Variant Classification Scheme 2023. Collection method: clinical testing. Allele origin: germline.

Mayo Clinic Laboratories, Mayo Clinic
Classification: Uncertain significance. Last evaluated: 2022-05-04. Review status: criteria provided, single submitter. Criteria: ACMG Guidelines, 2015. Collection method: clinical testing. Allele origin: germline. Observed: 1 variant allele.
Comment: BP4

GeneDx
Classification: Uncertain significance. Last evaluated: 2019-08-16. Review status: criteria provided, single submitter. Criteria: GeneDx Variant Classification Process June 2021. Collection method: clinical testing. Allele origin: germline. Affected: yes.
Comment: Not observed at a significant frequency in large population cohorts (Lek et al., 2016); In silico analysis, which includes protein predictors and evolutionary conservation, supports a deleterious effect; Has not been previously published as pathogenic or benign to our knowledge

Natera, Inc.
Classification: Uncertain significance for Nemaline myopathy type 2. Last evaluated: 2020-01-24. Review status: no assertion criteria provided. Collection method: clinical testing. Allele origin: germline. Not counted in ClinVar's aggregate classification.